The following is an entry in ClinVar:

NM_001114753.3(ENG):c.1312-189A>C

Genes: ENG (endoglin; minus strand), LOC102723566 (uncharacterized LOC102723566; plus strand). Cytogenetic location: 9q34.11.
Variant type: single nucleotide variant.
Coding change: c.1312-189A>C on transcript NM_001114753.3 (MANE Select); 189 bases into the intron before coding-DNA position 1312, A replaced by C.
Molecular consequence: intron variant.
Genome position (GRCh38, 1-based): chr9:127,819,021, T>G on the plus strand (A>C on the coding strand, the complement: ENG is on the minus strand). VCF-style: chr9-127819021-T-G. GRCh37 (hg19) VCF-style: chr9-130581300-T-G.
Other names: c.1312-189A>C (NM_000118.4); c.766-189A>C (NM_001278138.2).
Identifiers: ClinVar variation 676047 (VCV000676047.4), dbSNP rs35938176, ClinGen allele CA16374833.
Genomic context (GRCh38, chr9:127,819,021, plus strand): 5'-GGAGTCTCGCTCTGTCGCCCAGGCTGGAGTGCAGTGGTGCGATCTCAGCTCACTGCAAGC[T>G]CCGCCTCCCGGGTTCATGCCATTCTCCTACCTCAGCCTCCCAAGTAGCTGGGATTACAGG-3'

ClinVar aggregate classification (germline): Likely benign. Review status: criteria provided, multiple submitters, no conflicts (2 of 4 stars). 2 submissions from 2 submitters: Likely benign (2). Last evaluated 2018-06-14.

Allele frequency attached by ClinVar (database versions not stated): 1000 Genomes Project 0.01158; 1000 Genomes Project 30x 0.01187; gnomAD 0.02325 and 0.02359; TOPMed 0.02383.
gnomAD v4.1: 3,521 of 150,894 alleles (2.3%); highest among the groups gnomAD compares: Middle Eastern, 4.5%; 62 homozygotes.

Submissions (2):

GeneDx
Classification: Likely benign. Last evaluated: 2018-06-14. Review status: criteria provided, single submitter. Criteria: GeneDx Variant Classification (06012015). Collection method: clinical testing. Allele origin: germline. Affected: yes.
Comment: This variant is considered likely benign or benign based on one or more of the following criteria: it is a conservative change, it occurs at a poorly conserved position in the protein, it is predicted to be benign by multiple in silico algorithms, and/or has population frequency not consistent with disease.

Breakthrough Genomics
Classification: Likely benign. Review status: criteria provided, single submitter. Criteria: ACMG Guidelines, 2015. Collection method: not provided. Allele origin: germline. Inheritance: Autosomal dominant inheritance. Affected: yes.